The following is an entry in ClinVar:

NM_000435.3(NOTCH3):c.3352A>T (p.Asn1118Tyr)

Gene: NOTCH3 (notch receptor 3; minus strand). Cytogenetic location: 19p13.12.
Variant type: single nucleotide variant.
Coding change: c.3352A>T on transcript NM_000435.3 (MANE Select); coding-DNA position 3352, A replaced by T.
Protein change: p.Asn1118Tyr; replaces asparagine 1118 with tyrosine.
Molecular consequence: missense variant.
Genome position (GRCh38, 1-based): chr19:15,179,472, T>A on the plus strand (A>T on the coding strand, the complement: NOTCH3 is on the minus strand). VCF-style: chr19-15179472-T-A. GRCh37 (hg19) VCF-style: chr19-15290283-T-A.
Other names: short protein forms N1118Y.
Identifiers: ClinVar variation 373568 (VCV000373568.6), dbSNP rs376950447, ClinGen allele CA9263106.

ClinVar aggregate classification (germline): Conflicting classifications of pathogenicity. Review status: criteria provided, conflicting classifications (1 of 4 stars). 3 submissions from 3 submitters: Uncertain significance (2); Likely benign (1). Last evaluated 2025-09-30.

Allele frequency attached by ClinVar (database versions not stated): TOPMed 0.00002; gnomAD 0.00003; gnomAD exomes 0.00003 and 0.00005; ExAC 0.00006; ESP Exome Variant Server 0.00008.
gnomAD v4.1: 44 of 1,613,880 alleles (0.0027%); highest among the groups gnomAD compares: Non-Finnish European, 0.0036%; no homozygotes.

Submissions (3):

Labcorp Genetics (formerly Invitae), Labcorp
Classification: Likely benign. Last evaluated: 2025-09-30. Review status: criteria provided, single submitter. Criteria: Invitae Variant Classification Sherloc (09022015). Collection method: clinical testing. Allele origin: germline.

Athena Diagnostics
Classification: Uncertain significance. Last evaluated: 2024-12-31. Review status: criteria provided, single submitter. Criteria: Athena Diagnostics Criteria. Collection method: clinical testing. Allele origin: unknown.
Comment: Available data are insufficient to determine the clinical significance of the variant at this time. The frequency of this variant in the general population is higher than would generally be expected for pathogenic variants in this gene. Polyphen and MutationTaster yielded discordant predictions regarding whether this amino acid change is damaging to the protein.

GeneDx
Classification: Uncertain significance. Last evaluated: 2016-11-30. Review status: criteria provided, single submitter. Criteria: GeneDx Variant Classification (06012015). Collection method: clinical testing. Allele origin: germline. Affected: yes.
Comment: The N1118Y variant in the NOTCH3 gene has not been reported previously as a pathogenic variant, nor as a benign variant, to our knowledge. The N1118Y variant was not observed at any significant frequency in approximately 6500 individuals of European and African American ancestry by the NHLBI Exome Sequencing Project. The N1118Y variant is a semi-conservative amino acid substitution, which may impact secondary protein structure as these residues differ in some properties. This substitution occurs at a position that is not conserved. In silico analysis predicts this variant is probably damaging to the protein structure/function. We interpret N1118Y as a variant of uncertain significance.

Literature cited by the submitters: PubMed 36292254 (cited by Athena Diagnostics).